The following is an entry in ClinVar:

NM_000487.6(ARSA):c.1345G>A (p.Gly449Arg)

Gene: ARSA (arylsulfatase A; minus strand). Cytogenetic location: 22q13.33.
Variant type: single nucleotide variant.
Coding change: c.1345G>A on transcript NM_000487.6 (MANE Select); coding-DNA position 1345, G replaced by A.
Protein change: p.Gly449Arg; replaces glycine 449 with arginine.
Molecular consequence: missense variant.
Genome position (GRCh38, 1-based): chr22:50,625,330, C>T on the plus strand (G>A on the coding strand, the complement: ARSA is on the minus strand). VCF-style: chr22-50625330-C-T. GRCh37 (hg19) VCF-style: chr22-51063758-C-T.
Other names: c.1345G>A, p.Gly449Arg (NM_001085425.3, NM_001085426.3, NM_001085427.3); c.1087G>A, p.Gly363Arg (NM_001085428.3, NM_001362782.2); short protein forms G363R, G449R.
Identifiers: ClinVar variation 742189 (VCV000742189.12), dbSNP rs117341984, ClinGen allele CA10324740.

ClinVar aggregate classification (germline): Benign/Likely benign. Review status: criteria provided, multiple submitters, no conflicts (2 of 4 stars). 2 submissions from 2 submitters: Benign (1); Likely benign (1). Last evaluated 2026-06-07.

Conditions:
Metachromatic leukodystrophy (MLD). Also called: METACHROMATIC LEUKOENCEPHALOPATHY; SULFATIDE LIPIDOSIS; ARSA DEFICIENCY; CEREBROSIDE SULFATASE DEFICIENCY; Cerebral sclerosis diffuse metachromatic form; Arylsulfatase A Deficiency. Identifiers: Orphanet 512, MedGen C0023522, MONDO:0018868, OMIM 250100.
ARSA-related disorder. Also called: ARSA-related condition.

Allele frequency attached by ClinVar (database versions not stated): gnomAD 0.00009 and 0.00013; gnomAD exomes 0.00012 and 0.00028; TOPMed 0.00021; ExAC 0.00026; 1000 Genomes Project 30x 0.00031; 1000 Genomes Project 0.00040.

Submissions (2):

PreventionGenetics, part of Exact Sciences
Classification: Likely benign for ARSA-related condition. Last evaluated: 2026-06-07. Review status: criteria provided, single submitter. Criteria: ACMG Guidelines, 2015. Collection method: clinical testing. Allele origin: germline.
Comment: This variant is classified as likely benign based on ACMG/AMP sequence variant interpretation guidelines (Richards et al. 2015 PMID: 25741868, with internal and published modifications).

Labcorp Genetics (formerly Invitae), Labcorp
Classification: Benign for Metachromatic leukodystrophy. Last evaluated: 2025-12-14. Review status: criteria provided, single submitter. Criteria: Invitae Variant Classification Sherloc (09022015). Collection method: clinical testing. Allele origin: germline.